The following is an entry in ClinVar:

ClinVar aggregate classification (germline): Conflicting classifications of pathogenicity. Review status: criteria provided, conflicting classifications (1 of 4 stars). 3 submissions from 3 submitters: Likely pathogenic (1); Uncertain significance (2). Last evaluated 2024-06-07.

Conditions:
Mucopolysaccharidosis, MPS-II (MPS2). Also called: Attenuated MPS (subtype; formerly known as mild MPS II); Severe MPS II; I2S deficiency; MPS 2; Mucopolysaccharidosis type 2; Hunter Syndrome. Identifiers: Orphanet 580, Orphanet 79388, MedGen C0026705, MONDO:0010674, OMIM 309900.

Submissions (3):

Laboratory of Diagnosis and Therapy of Lysosomal Disorders, University of Padova
Classification: Likely pathogenic for Mucopolysaccharidosis, MPS-II. Last evaluated: 2024-06-07. Review status: criteria provided, single submitter. Criteria: ACMG Guidelines, 2015. Collection method: literature only. Allele origin: germline. Affected: yes. Observed: 2 variant alleles.
Comment: Absent from controls (or at low frequency) in gnomAD database (PM2_Moderate), Missense variant in a gene with a low rate of benign missense variation (PP2_Supporting), Multiple lines of computational evidence support a deleterious effect (PP3_Supporting), Patient’s phenotype or family history highly specific for the disease (PP4_Strong)

Classification method: ACMG Guidelines [PMID:25741868] with modifications

Labcorp Genetics (formerly Invitae), Labcorp
Classification: Uncertain significance for Mucopolysaccharidosis, MPS-II. Last evaluated: 2022-08-20. Review status: criteria provided, single submitter. Criteria: Invitae Variant Classification Sherloc (09022015). Collection method: clinical testing. Allele origin: germline.
Comment: This sequence change replaces valine, which is neutral and non-polar, with glycine, which is neutral and non-polar, at codon 83 of the IDS protein (p.Val83Gly). This variant is not present in population databases (gnomAD no frequency). This missense change has been observed in individual(s) with clinical features of mucopolysaccharidosis type II (PMID: 30755392, 34670126). ClinVar contains an entry for this variant (Variation ID: 598951). Algorithms developed to predict the effect of missense changes on protein structure and function (SIFT, PolyPhen-2, Align-GVGD) all suggest that this variant is likely to be disruptive. In summary, the available evidence is currently insufficient to determine the role of this variant in disease. Therefore, it has been classified as a Variant of Uncertain Significance.

Center for Personalized Medicine, Children's Hospital Los Angeles
Classification: Uncertain significance. Last evaluated: 2018-11-19. Review status: criteria provided, single submitter. Criteria: ACMG Guidelines, 2015. Collection method: clinical testing. Allele origin: germline. Affected: yes.

Literature cited by the submitters: PubMed 30755392 (cited by Laboratory of Diagnosis and Therapy of Lysosomal Disorders, University of Padova and Labcorp Genetics (formerly Invitae), Labcorp); PubMed 34670126 (cited by Laboratory of Diagnosis and Therapy of Lysosomal Disorders, University of Padova and Labcorp Genetics (formerly Invitae), Labcorp).

NM_000202.8(IDS):c.248T>G (p.Val83Gly)

Gene: IDS (iduronate 2-sulfatase; minus strand). Cytogenetic location: Xq28.
Variant type: single nucleotide variant.
Coding change: c.248T>G on transcript NM_000202.8 (MANE Select); coding-DNA position 248, T replaced by G.
Protein change: p.Val83Gly; replaces valine 83 with glycine.
Molecular consequence: missense variant. On other transcripts: non-coding transcript variant (1), intron variant (1).
Genome position (GRCh38, 1-based): chrX:149,503,482, A>C on the plus strand (T>G on the coding strand, the complement: IDS is on the minus strand). VCF-style: chrX-149503482-A-C. GRCh37 (hg19) VCF-style: chrX-148585012-A-C.
Other names: c.248T>G, p.Val83Gly (NM_006123.5); c.15-37T>G (NM_001166550.4); short protein forms V83G.
Identifiers: ClinVar variation 598951 (VCV000598951.10), dbSNP rs1569560525, ClinGen allele CA414526958.